The following is an entry in ClinVar:

ClinVar aggregate classification (germline): Uncertain significance (1 of 4 stars; one submission).

Submission:

Labcorp Genetics (formerly Invitae), Labcorp
Classification: Uncertain significance. Last evaluated: 2025-04-08. Review status: criteria provided, single submitter. Criteria: Invitae Variant Classification Sherloc (09022015). Collection method: clinical testing. Allele origin: germline.
Comment: This sequence change replaces glycine, which is neutral and non-polar, with arginine, which is basic and polar, at codon 1155 of the MYH3 protein (p.Gly1155Arg). This variant is present in population databases (rs762041386, gnomAD 0.0009%). This variant has not been reported in the literature in individuals affected with MYH3-related conditions. ClinVar contains an entry for this variant (Variation ID: 3633130). Invitae Evidence Modeling of protein sequence and biophysical properties (such as structural, functional, and spatial information, amino acid conservation, physicochemical variation, residue mobility, and thermodynamic stability) indicates that this missense variant is not expected to disrupt MYH3 protein function with a negative predictive value of 95%. In summary, the available evidence is currently insufficient to determine the role of this variant in disease. Therefore, it has been classified as a Variant of Uncertain Significance.

NM_002470.4(MYH3):c.3463G>A (p.Gly1155Arg)

Gene: MYH3 (myosin heavy chain 3; minus strand). Cytogenetic location: 17p13.1.
Variant type: single nucleotide variant.
Coding change: c.3463G>A on transcript NM_002470.4 (MANE Select); coding-DNA position 3463, G replaced by A.
Protein change: p.Gly1155Arg; replaces glycine 1155 with arginine.
Molecular consequence: missense variant.
Genome position (GRCh38, 1-based): chr17:10,638,309, C>T on the plus strand (G>A on the coding strand, the complement: MYH3 is on the minus strand). VCF-style: chr17-10638309-C-T. GRCh37 (hg19) VCF-style: chr17-10541626-C-T.
Other names: short protein forms G1155R.
Identifiers: ClinVar variation 3633130 (VCV003633130.2).